The following is an entry in ClinVar:

NM_007294.4(BRCA1):c.5482T>C (p.Cys1828Arg)

Gene: BRCA1 (BRCA1 DNA repair associated; minus strand). Cytogenetic location: 17q21.31.
Variant type: single nucleotide variant.
Coding change: c.5482T>C on transcript NM_007294.4 (MANE Select); coding-DNA position 5482, T replaced by C.
Protein change: p.Cys1828Arg; replaces cysteine 1828 with arginine.
Molecular consequence: missense variant. On other transcripts: non-coding transcript variant (1).
Genome position (GRCh38, 1-based): chr17:43,045,788, A>G on the plus strand (T>C on the coding strand, the complement: BRCA1 is on the minus strand). VCF-style: chr17-43045788-A-G. GRCh37 (hg19) VCF-style: chr17-41197805-A-G.
Other names: c.5215T>C, p.Cys1739Arg (NM_001407929.1, NM_001407930.1, NM_001407931.1 and 4 more transcripts); c.5264T>C, p.Val1755Ala (NM_001407943.1, NM_001407944.1, NM_001407945.1); c.5149T>C, p.Cys1717Arg (NM_001407946.1, NM_001407947.1, NM_001407948.1 and 1 more transcripts); c.5146T>C, p.Cys1716Arg (NM_001407950.1, NM_001407951.1, NM_001407952.1 and 3 more transcripts); c.2170T>C, p.Cys724Arg (NM_001407982.1, NM_001407983.1, NM_001407984.1 and 11 more transcripts); c.2167T>C, p.Cys723Arg (NM_001408392.1, NM_001408396.1, NM_001408397.1 and 7 more transcripts); c.5353T>C, p.Cys1785Arg (NM_001407687.1, NM_001407688.1, NM_001407689.1 and 6 more transcripts); c.5350T>C, p.Cys1784Arg (NM_001407690.1, NM_001407691.1); and 83 more; short protein forms C1781R, C1849R, C724R, V699A, C1828R, C1699R, C1717R, C1739R.
Identifiers: ClinVar variation 867589 (VCV000867589.3), dbSNP rs1060502342, ClinGen allele CA10590351.

Conditions:
Breast-ovarian cancer, familial, susceptibility to, 1 (BROVCA1). Also called: BRCA1 Hereditary Breast and Ovarian Cancer; OVARIAN CANCER, SUSCEPTIBILITY TO. Identifiers: Orphanet 145, MedGen C2676676, MONDO:0011450, OMIM 604370. Disease mechanism: loss of function.

Submission:

Brotman Baty Institute, University of Washington
No classification provided (evidence only). Condition: Breast-ovarian cancer, familial 1. Review status: no classification provided. Collection method: in vitro. Allele origin: not applicable. Functional consequence: function_uncertain_variant.
ClinVar note: "not provided" was previously submitted as the classification for the variant. However, the classification appeared to be based only on an observation of functional data so it was converted to no classification on 2025-07-30.